The following is an entry in ClinVar:

ClinVar aggregate classification (germline): Uncertain significance (1 of 4 stars; one submission).

Conditions:
Neurodevelopmental disorder. Identifiers: MedGen C1535926, MeSH D065886, MONDO:0700092.

Submission:

Broad Center for Mendelian Genomics, Broad Institute of MIT and Harvard
Classification: Uncertain significance for Neurodevelopmental disorder. Last evaluated: 2026-03-04. Review status: criteria provided, single submitter. Criteria: ACMG Guidelines, 2015. Collection method: research. Allele origin: germline. Inheritance: X-linked inheritance. Study: GREGoR Consortium.
Comment: The variant has been identified in 0.002% (2/894732) of European (non-Finnish) chromosomes by gnomAD (v4.1.0). Please note that for diseases with clinical variability or reduced penetrance, pathogenic variants may be present at a low frequency in the general population. Computational prediction tools and conservation analyses suggest that this variant may not impact the protein, though this information is not predictive enough to determine impact. Furthermore, although this gene has been reported in association with neurodevelopmental disorder, it currently has limited evidence for these associations. In summary, the clinical significance of this variant is uncertain.

NM_006201.5(CDK16):c.685A>G (p.Ile229Val)

Gene: CDK16 (cyclin dependent kinase 16; plus strand). Cytogenetic location: Xp11.3.
Variant type: single nucleotide variant.
Coding change: c.685A>G on transcript NM_006201.5 (MANE Select); coding-DNA position 685, A replaced by G.
Protein change: p.Ile229Val; replaces isoleucine 229 with valine.
Molecular consequence: missense variant.
Genome position (GRCh38, 1-based): chrX:47,225,822, A>G. VCF-style: chrX-47225822-A-G. GRCh37 (hg19) VCF-style: chrX-47085221-A-G.
Other names: NM_001170460.2:c.907A>G; c.907A>G, p.Ile303Val (NM_001170460.2); c.826A>G, p.Ile276Val (NM_001440783.1); c.814A>G, p.Ile272Val (NM_001440784.1); c.703A>G, p.Ile235Val (NM_001440785.1, NM_033018.4); c.685A>G, p.Ile229Val (NM_001440786.1); short protein forms I229V, I235V, I272V, I276V, I303V.
Identifiers: ClinVar variation 4819581 (VCV004819581.1).